The following is an entry in ClinVar:

NM_000284.4(PDHA1):c.149C>G (p.Pro50Arg)

Gene: PDHA1 (pyruvate dehydrogenase E1 subunit alpha 1; plus strand). Cytogenetic location: Xp22.12.
Variant type: single nucleotide variant.
Coding change: c.149C>G on transcript NM_000284.4 (MANE Select); coding-DNA position 149, C replaced by G.
Protein change: p.Pro50Arg; replaces proline 50 with arginine.
Molecular consequence: missense variant.
Genome position (GRCh38, 1-based): chrX:19,349,968, C>G. VCF-style: chrX-19349968-C-G. GRCh37 (hg19) VCF-style: chrX-19368086-C-G.
Other names: c.263C>G, p.Pro88Arg (NM_001173454.2); c.149C>G, p.Pro50Arg (NM_001173455.2, NM_001173456.2); short protein forms P50R, P88R.
Identifiers: ClinVar variation 4070296 (VCV004070296.1).
Genomic context (GRCh38, chrX:19,349,968, plus strand): 5'-AGGATAATAACTACCTTATTCCATTTCAGAAATGTGACCTTCACCGGCTGGAAGAAGGCC[C>G]TCCTGTCACAACAGTGCTCACCAGGGAGGATGGGCTCAAATACTACAGGATGATGCAGAC-3'
Protein context (NP_000275.1, residues 40-60): KCDLHRLEEG[Pro50Arg]PVTTVLTRED

ClinVar aggregate classification (germline): Likely pathogenic (0 of 4 stars; one submission).

Conditions:
Pyruvate dehydrogenase E1-alpha deficiency (PDHAD). Also called: ATAXIA, INTERMITTENT, WITH PYRUVATE DEHYDROGENASE DEFICIENCY; ATAXIA WITH LACTIC ACIDOSIS I; ATAXIA, INTERMITTENT, WITH ABNORMAL PYRUVATE METABOLISM; Ataxia, intermittent, with pyruvate dehydrogenase, or decarboxylase, deficiency. Identifiers: Orphanet 79243, MedGen C1839413, MONDO:0010717, OMIM 312170.

Submission:

PDHA1 Study Group, University Children’s Hospital, Paracelsus Medical University
Classification: Likely pathogenic for Pyruvate dehydrogenase E1-alpha deficiency. Last evaluated: 2024-10-15. Review status: no assertion criteria provided. Collection method: research. Allele origin: germline. Affected: yes. Observed: 1 variant allele.
Comment: The NM_000284.3:c.149C>G (p.Pro50Arg) substitution is a missense variant in PDHA1 gene. Last literature search: July 12, 2024. This variant is absent or extremely rare in population-based cohorts in the Genome Aggregation Database (gnomAD). Individuals harboring this variant presented with clinical features compatible with PDHA1-related PDHc deficiency. In summary, this variant meets criteria to be classified as likely pathogenic (LP) for PDHA1-related PDHc deficiency based on the ACMG/AMP criteria applied: PM1, PM2, PP3, PP4 (last assessment October 15, 2024).

Literature cited by the submitters: DOI 10.1093/brain/awaf430.